The following is an entry in ClinVar:

ClinVar aggregate classification (germline): Uncertain significance (1 of 4 stars; one submission).

Allele frequency attached by ClinVar (database versions not stated): ExAC 0.00001; gnomAD exomes 0.00001.
gnomAD v4.1: 3 of 1,613,442 alleles (0.00019%); highest among the groups gnomAD compares: Admixed American, 0.005%; no homozygotes.

Submission:

Labcorp Genetics (formerly Invitae), Labcorp
Classification: Uncertain significance. Last evaluated: 2023-08-17. Review status: criteria provided, single submitter. Criteria: Invitae Variant Classification Sherloc (09022015). Collection method: clinical testing. Allele origin: germline.
Comment: This sequence change replaces lysine, which is basic and polar, with glutamic acid, which is acidic and polar, at codon 854 of the TOPORS protein (p.Lys854Glu). This variant is present in population databases (rs761134017, gnomAD 0.009%). This variant has not been reported in the literature in individuals affected with TOPORS-related conditions. ClinVar contains an entry for this variant (Variation ID: 1525529). Experimental studies and prediction algorithms are not available or were not evaluated, and the functional significance of this variant is currently unknown. In summary, the available evidence is currently insufficient to determine the role of this variant in disease. Therefore, it has been classified as a Variant of Uncertain Significance.

NM_005802.5(TOPORS):c.2560A>G (p.Lys854Glu)

Gene: TOPORS (TOP1 binding arginine/serine rich protein, E3 ubiquitin ligase; minus strand). Cytogenetic location: 9p21.1.
Variant type: single nucleotide variant.
Coding change: c.2560A>G on transcript NM_005802.5 (MANE Select); coding-DNA position 2560, A replaced by G.
Protein change: p.Lys854Glu; replaces lysine 854 with glutamic acid.
Molecular consequence: missense variant.
Genome position (GRCh38, 1-based): chr9:32,541,965, T>C on the plus strand (A>G on the coding strand, the complement: TOPORS is on the minus strand). VCF-style: chr9-32541965-T-C. GRCh37 (hg19) VCF-style: chr9-32541963-T-C.
Other names: c.2365A>G, p.Lys789Glu (NM_001195622.2); short protein forms K789E, K854E.
Identifiers: ClinVar variation 1525529 (VCV001525529.6), dbSNP rs761134017, ClinGen allele CA5020351.